The following is an entry in ClinVar:

NM_000388.4(CASR):c.499T>G (p.Tyr167Asp)

Gene: CASR (calcium sensing receptor; plus strand). Cytogenetic location: 3q21.1.
Variant type: single nucleotide variant.
Coding change: c.499T>G on transcript NM_000388.4 (MANE Select); coding-DNA position 499, T replaced by G.
Protein change: p.Tyr167Asp; replaces tyrosine 167 with aspartic acid.
Molecular consequence: missense variant.
Genome position (GRCh38, 1-based): chr3:122,261,534, T>G. VCF-style: chr3-122261534-T-G. GRCh37 (hg19) VCF-style: chr3-121980381-T-G.
Other names: c.499T>G, p.Tyr167Asp (NM_001178065.2); short protein forms Y167D.
Identifiers: ClinVar variation 1345162 (VCV001345162.9), dbSNP rs1064795096, ClinGen allele CA354150719.
Genomic context (GRCh38, chr3:122,261,534, plus strand): 5'-AGCACCTCTTCACTCACTCACTCACTCATTCACCATGTTCTTGGTTCTCTCCAGGTCAGT[T>G]ATGCCTCCTCCAGCAGACTCCTCAGCAACAAGAATCAATTCAAGTCTTTCCTCCGAACCA-3'
Protein context (NP_000379.3, residues 157-177): LGLFYIPQVS[Tyr167Asp]ASSSRLLSNK

ClinVar aggregate classification (germline): Uncertain significance. Review status: criteria provided, multiple submitters, no conflicts (2 of 4 stars). 2 submissions from 2 submitters: Uncertain significance (2). Last evaluated 2026-06-11.

Conditions:
Autosomal dominant hypocalcemia 1 (HYPOC1). Also called: HYPOCALCEMIA, FAMILIAL. Identifiers: MedGen C3715128, MONDO:0011013, OMIM 601198.
Familial hypocalciuric hypercalcemia (FHH). Also called: Familial benign hypercalcemia. Identifiers: Orphanet 405, MedGen C1809471, MONDO:0018458.

Submissions (2):

Women's Health and Genetics/Laboratory Corporation of America, LabCorp
Classification: Uncertain significance. Last evaluated: 2026-06-11. Review status: criteria provided, single submitter. Criteria: LabCorp Variant Classification Summary - May 2015. Collection method: clinical testing. Allele origin: germline.
Comment: Variant summary: CASR c.499T>G (p.Tyr167Asp) results in a non-conservative amino acid change in the encoded protein sequence. Algorithms developed to predict the effect of missense changes on protein structure and function all suggest that this variant is likely to be disruptive. The variant was absent in 251178 control chromosomes. The available data on variant occurrences in the general population are insufficient to allow any conclusion about variant significance. To our knowledge, no occurrence of c.499T>G in individuals affected with CASR-related conditions and no experimental evidence demonstrating its impact on protein function have been reported. ClinVar contains an entry for this variant (Variation ID: 1345162). Based on the evidence outlined above, the variant was classified as uncertain significance.

Labcorp Genetics (formerly Invitae), Labcorp
Classification: Uncertain significance for Familial hypocalciuric hypercalcemia; Autosomal dominant hypocalcemia 1. Last evaluated: 2022-06-24. Review status: criteria provided, single submitter. Criteria: Invitae Variant Classification Sherloc (09022015). Collection method: clinical testing. Allele origin: germline.
Comment: In summary, the available evidence is currently insufficient to determine the role of this variant in disease. Therefore, it has been classified as a Variant of Uncertain Significance. Algorithms developed to predict the effect of missense changes on protein structure and function (SIFT, PolyPhen-2, Align-GVGD) all suggest that this variant is likely to be disruptive. This missense change has been observed in individual(s) with hyperparathyroidism (Invitae). This variant is not present in population databases (gnomAD no frequency). This sequence change replaces tyrosine, which is neutral and polar, with aspartic acid, which is acidic and polar, at codon 167 of the CASR protein (p.Tyr167Asp).